The following is an entry in ClinVar:

ClinVar aggregate classification (germline): Uncertain significance. Review status: criteria provided, single submitter (1 of 4 stars). 2 submissions from 2 submitters: Uncertain significance (1). 1 of the submissions does not count toward it. Last evaluated 2022-03-18.

Conditions:
FRONTOTEMPORAL LOBAR DEGENERATION WITH TDP43 INCLUSIONS, TARDBP-RELATED. Also called: Frontotemporal lobar degeneration, TARDBP-related. Identifiers: MedGen C3150169, OMIM 612069.
Amyotrophic lateral sclerosis type 10 (ALS10). Also called: TARDBP-Related Amyotrophic Lateral Sclerosis-Frontotemporal Dementia; AMYOTROPHIC LATERAL SCLEROSIS 10 WITHOUT FRONTOTEMPORAL DEMENTIA AND WITH TDP43 INCLUSIONS; AMYOTROPHIC LATERAL SCLEROSIS 10 WITH OR WITHOUT FRONTOTEMPORAL DEMENTIA AND WITH TDP43 INCLUSIONS; AMYOTROPHIC LATERAL SCLEROSIS 10 WITH OR WITHOUT FRONTOTEMPORAL DEMENTIA; Amyotrophic lateral sclerosis 10, with or without FTD. Identifiers: Orphanet 275872, Orphanet 803, MedGen C2677565, MONDO:0012790, OMIM 612069.
TARDBP-related disorder. Also called: TARDBP-related condition.

Allele frequency attached by ClinVar (database versions not stated): TOPMed below 0.00001; gnomAD exomes 0.00001.
gnomAD v4.1: 20 of 1,584,762 alleles (0.0013%); highest among the groups gnomAD compares: Non-Finnish European, 0.0014%; no homozygotes.

Submissions (2):

Labcorp Genetics (formerly Invitae), Labcorp
Classification: Uncertain significance for Amyotrophic lateral sclerosis type 10; FRONTOTEMPORAL LOBAR DEGENERATION WITH TDP43 INCLUSIONS, TARDBP-RELATED. Last evaluated: 2022-03-18. Review status: criteria provided, single submitter. Criteria: Invitae Variant Classification Sherloc (09022015). Collection method: clinical testing. Allele origin: germline.
Comment: This sequence change replaces serine, which is neutral and polar, with threonine, which is neutral and polar, at codon 377 of the TARDBP protein (p.Ser377Thr). This variant is not present in population databases (gnomAD no frequency). This variant has not been reported in the literature in individuals affected with TARDBP-related conditions. Algorithms developed to predict the effect of missense changes on protein structure and function are either unavailable or do not agree on the potential impact of this missense change (SIFT: "Tolerated"; PolyPhen-2: "Possibly Damaging"; Align-GVGD: "Class C0"). In summary, the available evidence is currently insufficient to determine the role of this variant in disease. Therefore, it has been classified as a Variant of Uncertain Significance.

PreventionGenetics, part of Exact Sciences
Classification: Likely pathogenic for TARDBP-related condition. Last evaluated: 2024-09-25. Review status: no assertion criteria provided. Collection method: clinical testing. Allele origin: germline. Not counted in ClinVar's aggregate classification.
Comment: The TARDBP c.1129T>A variant is predicted to result in the amino acid substitution p.Ser377Thr. To our knowledge, this variant has not been reported in the literature or in a large population database, indicating this variant is rare. This variant is located within the conserved C-terminal region of TARDBP, where missense change is not expected to be tolerated and is considered a hot spot for ALS-causing variants (Tiloca et al. 2022. PubMed ID: 36247987). This variant is interpreted as likely pathogenic.

NM_007375.4(TARDBP):c.1129T>A (p.Ser377Thr)

Gene: TARDBP (TAR DNA binding protein; plus strand). Cytogenetic location: 1p36.22.
Variant type: single nucleotide variant.
Coding change: c.1129T>A on transcript NM_007375.4 (MANE Select); coding-DNA position 1129, T replaced by A.
Protein change: p.Ser377Thr; replaces serine 377 with threonine.
Molecular consequence: missense variant.
Genome position (GRCh38, 1-based): chr1:11,022,538, T>A. VCF-style: chr1-11022538-T-A. GRCh37 (hg19) VCF-style: chr1-11082595-T-A.
Other names: short protein forms S377T.
Identifiers: ClinVar variation 2161595 (VCV002161595.6), dbSNP rs1570725499, ClinGen allele CA338368230.